The following is an entry in ClinVar:

NM_001943.5(DSG2):c.595_618del (p.Arg199_Ala206del)

Gene: DSG2 (desmoglein 2; plus strand). Cytogenetic location: 18q12.1.
Variant type: Deletion.
Coding change: c.595_618del on transcript NM_001943.5 (MANE Select); coding-DNA positions 595 to 618, 24 bases deleted (AGAATCGTATCTCTGGAGCCTGCT).
Protein change: p.Arg199_Ala206del.
Molecular consequence: inframe deletion.
Genome position (GRCh38, 1-based): chr18:31,522,154-31,522,177, AGAATCGTATCTCTGGAGCCTGCT deleted; deleting any 24 consecutive bases within chr18:31,522,153-31,522,177 gives the same sequence; the c. name uses the placement nearest the transcript's 3' end. VCF-style (leftmost placement, unchanged base first): chr18-31522152-ATAGAATCGTATCTCTGGAGCCTGC-A. GRCh37 (hg19) VCF-style: chr18-29102115-ATAGAATCGTATCTCTGGAGCCTGC-A.
Identifiers: ClinVar variation 2775210 (VCV002775210.2), dbSNP rs2510911608, ClinGen allele CA2641412902.

ClinVar aggregate classification (germline): Uncertain significance (1 of 4 stars; one submission).

Conditions:
Cardiomyopathy (CMYO). Also called: Cardiomyopathies. Identifiers: Orphanet 167848, MedGen C0878544, MONDO:0004994, HP:0001638. Inheritance: Various modes of inheritance.

Submission:

Color Diagnostics, LLC DBA Color Health
Classification: Uncertain significance for Cardiomyopathy. Last evaluated: 2022-05-10. Review status: criteria provided, single submitter. Criteria: ACMG Guidelines, 2015. Collection method: clinical testing. Allele origin: germline.
Comment: This variant causes an in-frame deletion of eight amino acids in the DSG2 protein. To our knowledge, functional studies have not been reported for this variant. This variant has not been reported in individuals affected with cardiovascular disorders in the literature. This variant has not been identified in the general population by the Genome Aggregation Database (gnomAD). The available evidence is insufficient to determine the role of this variant in disease conclusively. Therefore, this variant is classified as a Variant of Uncertain Significance.